The following is an entry in ClinVar:

NM_003924.4(PHOX2B):c.206C>T (p.Thr69Ile)

Genes: PHOX2B (paired like homeobox 2B; minus strand), PHOX2B-AS1 (PHOX2B antisense RNA 1; plus strand). Cytogenetic location: 4p13.
Variant type: single nucleotide variant.
Coding change: c.206C>T on transcript NM_003924.4 (MANE Select); coding-DNA position 206, C replaced by T.
Protein change: p.Thr69Ile; replaces threonine 69 with isoleucine.
Molecular consequence: missense variant. On other transcripts: non-coding transcript variant (1).
Genome position (GRCh38, 1-based): chr4:41,748,405, G>A on the plus strand (C>T on the coding strand, the complement: PHOX2B is on the minus strand). VCF-style: chr4-41748405-G-A. GRCh37 (hg19) VCF-style: chr4-41750422-G-A.
Other names: short protein forms T69I.
Identifiers: ClinVar variation 3888495 (VCV003888495.1).

ClinVar aggregate classification (germline): Uncertain significance (1 of 4 stars; one submission).

Conditions:
Hereditary cancer-predisposing syndrome. Also called: Tumor predisposition; Neoplastic Syndromes, Hereditary; Hereditary Cancer Syndrome; Hereditary neoplastic syndrome. Identifiers: Orphanet 140162, MedGen C0027672, MeSH D009386, MONDO:0015356.

Submission:

Ambry Genetics
Classification: Uncertain significance for Hereditary cancer-predisposing syndrome. Last evaluated: 2025-01-14. Review status: criteria provided, single submitter. Criteria: Ambry Variant Classification Scheme 2023. Collection method: clinical testing. Allele origin: germline.
Comment: The p.T69I variant (also known as c.206C>T), located in coding exon 1 of the PHOX2B gene, results from a C to T substitution at nucleotide position 206. The threonine at codon 69 is replaced by isoleucine, an amino acid with similar properties. This amino acid position is conserved. In addition, this alteration is predicted to be tolerated by in silico analysis. Based on the available evidence, the clinical significance of this variant remains unclear.